The following is an entry in ClinVar:

NM_016734.3(PAX5):c.734A>C (p.His245Pro)

Gene: PAX5 (paired box 5; minus strand). Cytogenetic location: 9p13.2.
Variant type: single nucleotide variant.
Coding change: c.734A>C on transcript NM_016734.3 (MANE Select); coding-DNA position 734, A replaced by C.
Protein change: p.His245Pro; replaces histidine 245 with proline.
Molecular consequence: missense variant. On other transcripts: non-coding transcript variant (2).
Genome position (GRCh38, 1-based): chr9:36,966,595, T>G on the plus strand (A>C on the coding strand, the complement: PAX5 is on the minus strand). VCF-style: chr9-36966595-T-G. GRCh37 (hg19) VCF-style: chr9-36966592-T-G.
Other names: c.734A>C, p.His245Pro (NM_001280547.2, NM_001280548.2, NM_001280549.2 and 2 more transcripts); c.410A>C, p.His137Pro (NM_001280551.2, NM_001280556.2); c.605A>C, p.His202Pro (NM_001280553.2, NM_001280554.2); c.536A>C, p.His179Pro (NM_001280555.2); short protein forms H245P, H137P, H179P, H202P.
Identifiers: ClinVar variation 5026322 (VCV005026322.1).

ClinVar aggregate classification (germline): Uncertain significance (1 of 4 stars; one submission).

Conditions:
Inborn genetic diseases. Identifiers: MedGen C0950123, MeSH D030342.

Submission:

Ambry Genetics
Classification: Uncertain significance for Inborn genetic diseases. Last evaluated: 2026-09-07. Review status: criteria provided, single submitter. Criteria: Ambry Variant Classification Scheme 2023. Collection method: clinical testing. Allele origin: germline.
Comment: The p.H245P variant (also known as c.734A>C), located in coding exon 6 of the PAX5 gene, results from an A to C substitution at nucleotide position 734. The histidine at codon 245 is replaced by proline, an amino acid with similar properties. This amino acid position is conserved. In addition, this alteration is predicted to be deleterious by in silico analysis. Based on the available evidence, the clinical significance of this variant remains unclear.